The following is an entry in ClinVar:

NM_001377.3(DYNC2H1):c.2142G>C (p.Gln714His)

Gene: DYNC2H1 (dynein cytoplasmic 2 heavy chain 1; plus strand). Cytogenetic location: 11q22.3.
Variant type: single nucleotide variant.
Coding change: c.2142G>C on transcript NM_001377.3 (MANE Select); coding-DNA position 2142, G replaced by C.
Protein change: p.Gln714His; replaces glutamine 714 with histidine.
Molecular consequence: missense variant.
Genome position (GRCh38, 1-based): chr11:103,134,356, G>C. VCF-style: chr11-103134356-G-C. GRCh37 (hg19) VCF-style: chr11-103005085-G-C.
Other names: c.2142G>C, p.Gln714His (NM_001080463.2); short protein forms Q714H.
Identifiers: ClinVar variation 581827 (VCV000581827.7), dbSNP rs182352825, ClinGen allele CA6252963.

ClinVar aggregate classification (germline): Uncertain significance. Review status: criteria provided, multiple submitters, no conflicts (2 of 4 stars). 2 submissions from 2 submitters: Uncertain significance (2). Last evaluated 2026-08-27.

Conditions:
Inborn genetic diseases. Identifiers: MedGen C0950123, MeSH D030342.
Jeune thoracic dystrophy. Also called: Infantile thoracic dystrophy; Thoracic pelvic phalangeal dystrophy; Jeune's syndrome; Chondroectodermal dysplasia-like syndrome; Short-rib thoracic dysplasia; Jeune syndrome. Identifiers: Orphanet 474, MedGen C0265275, MONDO:0018770.

Allele frequency attached by ClinVar (database versions not stated): gnomAD exomes below 0.00001 and 0.00001; gnomAD 0.00001; TOPMed 0.00001; ExAC 0.00002; 1000 Genomes Project 0.00020; 1000 Genomes Project 30x 0.00031.
gnomAD v4.1: 8 of 1,612,470 alleles (0.0005%); highest among the groups gnomAD compares: Admixed American, 0.005%; no homozygotes.

Submissions (2):

Ambry Genetics
Classification: Uncertain significance for Inborn genetic diseases. Last evaluated: 2026-08-27. Review status: criteria provided, single submitter. Criteria: Ambry Variant Classification Scheme 2023. Collection method: clinical testing. Allele origin: germline.

Labcorp Genetics (formerly Invitae), Labcorp
Classification: Uncertain significance for Jeune thoracic dystrophy. Last evaluated: 2021-08-24. Review status: criteria provided, single submitter. Criteria: Invitae Variant Classification Sherloc (09022015). Collection method: clinical testing. Allele origin: germline.
Comment: This sequence change replaces glutamine with histidine at codon 714 of the DYNC2H1 protein (p.Gln714His). The glutamine residue is highly conserved and there is a small physicochemical difference between glutamine and histidine. This variant is present in population databases (rs182352825, ExAC 0.02%). This variant has not been reported in the literature in individuals affected with DYNC2H1-related conditions. Algorithms developed to predict the effect of missense changes on protein structure and function (SIFT, PolyPhen-2, Align-GVGD) all suggest that this variant is likely to be tolerated. In summary, the available evidence is currently insufficient to determine the role of this variant in disease. Therefore, it has been classified as a Variant of Uncertain Significance.